The following is an entry in ClinVar:

NM_001605.3(AARS1):c.2403C>G (p.Ala801=)

Gene: AARS1 (alanyl-tRNA synthetase 1; minus strand). Cytogenetic location: 16q22.1.
Variant type: single nucleotide variant.
Coding change: c.2403C>G on transcript NM_001605.3 (MANE Select); coding-DNA position 2403, C replaced by G.
Protein change: p.Ala801=; no amino-acid change (alanine 801 retained).
Molecular consequence: synonymous variant.
Genome position (GRCh38, 1-based): chr16:70,254,036, G>C on the plus strand (C>G on the coding strand, the complement: AARS1 is on the minus strand). VCF-style: chr16-70254036-G-C. GRCh37 (hg19) VCF-style: chr16-70287939-G-C.
Other names: c.2403C>G (NM_001605.2).
Identifiers: ClinVar variation 1116420 (VCV001116420.10), dbSNP rs771133578, ClinGen allele CA8140418.

ClinVar aggregate classification (germline): Likely benign. Review status: criteria provided, single submitter (1 of 4 stars). 2 submissions from 2 submitters: Likely benign (1). 1 of the submissions does not count toward it. Last evaluated 2025-11-20.

Conditions:
Charcot-Marie-Tooth disease type 2. Also called: Charcot-Marie-Tooth type 2. Identifiers: Orphanet 64746, MedGen C0270914, MONDO:0018993.
AARS1-related disorder. Also called: AARS1-related condition.

Allele frequency attached by ClinVar (database versions not stated): ExAC 0.00002; gnomAD exomes 0.00001 and 0.00002; TOPMed 0.00002; gnomAD 0.00001.
gnomAD v4.1: 28 of 1,613,938 alleles (0.0017%); highest among the groups gnomAD compares: Non-Finnish European, 0.0023%; no homozygotes.

Submissions (2):

Labcorp Genetics (formerly Invitae), Labcorp
Classification: Likely benign for Charcot-Marie-Tooth disease type 2. Last evaluated: 2025-11-20. Review status: criteria provided, single submitter. Criteria: Invitae Variant Classification Sherloc (09022015). Collection method: clinical testing. Allele origin: germline.

PreventionGenetics, part of Exact Sciences
Classification: Likely benign for AARS1-related condition. Last evaluated: 2019-03-21. Review status: no assertion criteria provided. Collection method: clinical testing. Allele origin: germline. Not counted in ClinVar's aggregate classification.
Comment: This variant is classified as likely benign based on ACMG/AMP sequence variant interpretation guidelines (Richards et al. 2015 PMID: 25741868, with internal and published modifications).